The following is an entry in ClinVar:

NM_001003787.4(STRADA):c.1150C>T (p.Arg384Ter)

Gene: STRADA (STE20 related adaptor alpha; minus strand). Cytogenetic location: 17q23.3.
Variant type: single nucleotide variant.
Coding change: c.1150C>T on transcript NM_001003787.4 (MANE Select); coding-DNA position 1150, C replaced by T.
Protein change: p.Arg384Ter; replaces arginine 384 with a stop codon.
Molecular consequence: nonsense. On other transcripts: 3 prime UTR variant (9), missense variant (1), non-coding transcript variant (1).
Genome position (GRCh38, 1-based): chr17:63,703,745, G>A on the plus strand (C>T on the coding strand, the complement: STRADA is on the minus strand). VCF-style: chr17-63703745-G-A. GRCh37 (hg19) VCF-style: chr17-61781105-G-A.
Other names: c.1039C>T, p.Arg347Ter (NM_001003786.3); c.976C>T, p.Arg326Ter (NM_001003788.3); c.*27C>T (NM_001165969.2, NM_001165970.2, NM_001363788.1 and 2 more transcripts); c.1126C>T, p.Arg376Ter (NM_001363786.1); c.1063C>T, p.Arg355Ter (NM_001363787.1); c.842C>T, p.Ala281Val (NM_001363790.1); c.*1134C>T (NM_001411083.1, NM_001411084.1); c.*1145C>T (NM_001411085.1); and 1 more; short protein forms A281V, R326*, R347*, R355*, R376*, R384*.
Identifiers: ClinVar variation 2501328 (VCV002501328.1), dbSNP rs9915192, ClinGen allele CA8703075.
Genomic context (GRCh38, chr17:63,703,745, plus strand): 5'-CAAAATTGGTGATGGGGGTGACAGGACGAAGCAATTCGGGCAAAGCCTCTGAGGCACGTC[G>A]CTTGATCTGGGGGAGAAGAGAGAGGTGGGTGACAGATCCTGTTGCTCTGGGTCCCAGGAC-3'

ClinVar aggregate classification (germline): Uncertain significance (1 of 4 stars; one submission).

Allele frequency attached by ClinVar (database versions not stated): ExAC 0.00002; ESP Exome Variant Server 0.00008.
gnomAD v4.1: 6 of 1,614,020 alleles (0.00037%); highest among the groups gnomAD compares: South Asian, 0.0044%; no homozygotes.

Submission:

GeneDx
Classification: Uncertain significance. Last evaluated: 2022-11-02. Review status: criteria provided, single submitter. Criteria: GeneDx Variant Classification Process June 2021. Collection method: clinical testing. Allele origin: germline. Affected: yes.
Comment: Nonsense variant predicted to result in protein truncation as the last 48 amino acids are lost, although loss-of-function variants have not been reported downstream of this position in the protein; Has not been previously published as pathogenic or benign to our knowledge